The following is an entry in ClinVar:

ClinVar aggregate classification (germline): Pathogenic/Likely pathogenic. Review status: criteria provided, multiple submitters, no conflicts (2 of 4 stars). 3 submissions from 3 submitters: Pathogenic (1); Likely pathogenic (2). Last evaluated 2023-11-07.

Conditions:
Marfan syndrome (MFS). Also called: FBN1-Related Marfan Syndrome; Marfan syndrome, classic; MARFAN SYNDROME, TYPE I; Marfan syndrome type 1; Marfan's syndrome. Identifiers: Orphanet 284963, Orphanet 558, MedGen C0024796, MONDO:0007947, OMIM 154700.
Familial thoracic aortic aneurysm and aortic dissection (TAAD). Also called: Thoracic aortic aneurysms and dissections. Identifiers: Orphanet 91387, MedGen C4707243, MONDO:0019625.

Submissions (3):

Labcorp Genetics (formerly Invitae), Labcorp
Classification: Pathogenic for Marfan syndrome; Familial thoracic aortic aneurysm and aortic dissection. Last evaluated: 2023-11-07. Review status: criteria provided, single submitter. Criteria: Invitae Variant Classification Sherloc (09022015). Collection method: clinical testing. Allele origin: germline.
Comment: This sequence change replaces cysteine, which is neutral and slightly polar, with serine, which is neutral and polar, at codon 830 of the FBN1 protein (p.Cys830Ser). This variant is not present in population databases (gnomAD no frequency). This missense change has been observed in individual(s) with Marfan syndrome (Invitae). ClinVar contains an entry for this variant (Variation ID: 42310). Advanced modeling of protein sequence and biophysical properties (such as structural, functional, and spatial information, amino acid conservation, physicochemical variation, residue mobility, and thermodynamic stability) performed at Invitae indicates that this missense variant is expected to disrupt FBN1 protein function with a positive predictive value of 95%. This variant affects a cysteine residue in the EGF-like, TGFBP or hybrid motif domains of FBN1. Cysteine residues are believed to be involved in intramolecular disulfide bridges and have been shown to be important for FBN1 protein structure (PMID: 16905551, 19349279). In addition, missense substitutions affecting cysteine residues within these domains are significantly overrepresented among patients with Marfan syndrome (PMID: 16571647, 17701892). For these reasons, this variant has been classified as Pathogenic.

Ambry Genetics
Classification: Likely pathogenic for Familial thoracic aortic aneurysm and aortic dissection. Last evaluated: 2022-02-14. Review status: criteria provided, single submitter. Criteria: Ambry Variant Classification Scheme 2023. Collection method: clinical testing. Allele origin: germline.
Comment: The p.C830S variant (also known as c.2489G>C), located in coding exon 20 of the FBN1 gene, results from a G to C substitution at nucleotide position 2489. The cysteine at codon 830 is replaced by serine, an amino acid with dissimilar properties. The majority of FBN1 mutations identified to date have involved the substitution or generation of cysteine residues within cbEGF domains (Vollbrandt T et al. J Biol Chem. 2004;279(31):32924-32931). This alteration has been reported in an individual with a clinical diagnosis of Marfan syndrome (Baudhuin LM et al. J Hum Genet, 2015 May;60:241-52). In addition, a different alteration located at the same position, resulting in the same protein change, p.C830S (c.2488T>A), has been detected in an individual reported to have classical Marfan syndrome (Stheneur C et al. Eur J Hum Genet, 2009 Sep;17:1121-8). Based on internal structural assessment, this alteration eliminates a structurally critical disulfide bond in the structurally sensitive cbEGF domain #09. This variant is considered to be rare based on population cohorts in the Genome Aggregation Database (gnomAD). This amino acid position is highly conserved in available vertebrate species. In addition, this alteration is predicted to be deleterious by in silico analysis. Based on the majority of available evidence to date, this variant is likely to be pathogenic.

Laboratory for Molecular Medicine, Mass General Brigham Personalized Medicine
Classification: Likely pathogenic for Marfan syndrome. Last evaluated: 2012-12-21. Review status: criteria provided, single submitter. Criteria: LMM Criteria. Collection method: clinical testing. Allele origin: germline. Inheritance: Autosomal dominant inheritance. Observed: 1 variant allele.
Comment: The c.2489G>C (p.Cys830Ser) has not been previously identified by our laboratory , but has been reported in the Korean Mutation Database (mutation ID KM0000769) in a patient with Marfan syndrome. In addition, the same amino acid change (p.Cy s830Ser) caused by a different DNA change (c.2488T>A) has been identified in one patient with clinical features of Marfan syndrome that met Ghent criteria (Sthe neur 2009). The variant identified in this individual has not been identified in large and broad populations by the NHLBI Exome Sequencing Project (s.). Computational analyses (biochemical amino acid properties , conservation, AlignGVGD, PolyPhen2, and SIFT) suggest that the Cys830Ser varia nt may impact the normal function of the protein, though this information is not predictive enough to conclusively determine pathogenicity. In addition, this va riant affects a cysteine residue; cysteine substitutions are a common finding in individuals with Marfan syndrome (Schrijver 1999). In summary, this variant is likely pathogenic, though additional studies are required to fully establish its clinical significance.

Literature cited by the submitters: PubMed 16905551 (cited by Labcorp Genetics (formerly Invitae), Labcorp); PubMed 19349279 (cited by Labcorp Genetics (formerly Invitae), Labcorp); PubMed 16571647 (cited by Labcorp Genetics (formerly Invitae), Labcorp); PubMed 17701892 (cited by Labcorp Genetics (formerly Invitae), Labcorp); PubMed 19293843 (cited by Ambry Genetics and Laboratory for Molecular Medicine, Mass General Brigham Personalized Medicine); PubMed 25652356 (cited by Ambry Genetics); PubMed 10486319 (cited by Laboratory for Molecular Medicine, Mass General Brigham Personalized Medicine).

NM_000138.5(FBN1):c.2489G>C (p.Cys830Ser)

Gene: FBN1 (fibrillin 1; minus strand). Cytogenetic location: 15q21.1.
Variant type: single nucleotide variant.
Coding change: c.2489G>C on transcript NM_000138.5 (MANE Select); coding-DNA position 2489, G replaced by C.
Protein change: p.Cys830Ser; replaces cysteine 830 with serine.
Molecular consequence: missense variant.
Genome position (GRCh38, 1-based): chr15:48,495,519, C>G on the plus strand (G>C on the coding strand, the complement: FBN1 is on the minus strand). VCF-style: chr15-48495519-C-G. GRCh37 (hg19) VCF-style: chr15-48787716-C-G.
Other names: short protein forms C830S.
Identifiers: ClinVar variation 42310 (VCV000042310.14), dbSNP rs397515774, ClinGen allele CA013145.